The following is an entry in ClinVar:

ClinVar aggregate classification (germline): Uncertain significance (1 of 4 stars; one submission).

Submission:

Labcorp Genetics (formerly Invitae), Labcorp
Classification: Uncertain significance. Last evaluated: 2020-11-12. Review status: criteria provided, single submitter. Criteria: Invitae Variant Classification Sherloc (09022015). Collection method: clinical testing. Allele origin: germline.
Comment: This sequence change replaces lysine with threonine at codon 87 of the CTNNA1 protein (p.Lys87Thr). The lysine residue is highly conserved and there is a moderate physicochemical difference between lysine and threonine. This variant is not present in population databases (ExAC no frequency). This variant has not been reported in the literature in individuals with CTNNA1-related conditions. Algorithms developed to predict the effect of missense changes on protein structure and function are either unavailable or do not agree on the potential impact of this missense change (SIFT: "Deleterious"; PolyPhen-2: "Benign"; Align-GVGD: "Class C0"). In summary, the available evidence is currently insufficient to determine the role of this variant in disease. Therefore, it has been classified as a Variant of Uncertain Significance.

NM_001903.5(CTNNA1):c.260A>C (p.Lys87Thr)

Gene: CTNNA1 (catenin alpha 1; plus strand). Cytogenetic location: 5q31.2.
Variant type: single nucleotide variant.
Coding change: c.260A>C on transcript NM_001903.5 (MANE Select); coding-DNA position 260, A replaced by C.
Protein change: p.Lys87Thr; replaces lysine 87 with threonine.
Molecular consequence: missense variant. On other transcripts: intron variant (2).
Genome position (GRCh38, 1-based): chr5:138,783,331, A>C. VCF-style: chr5-138783331-A-C. GRCh37 (hg19) VCF-style: chr5-138119020-A-C.
Other names: c.260A>C, p.Lys87Thr (NM_001290307.3, NM_001323982.2, NM_001323983.1 and 3 more transcripts); c.-6+59A>C (NM_001290310.3); c.-9+1302A>C (NM_001290309.3); short protein forms K87T.
Identifiers: ClinVar variation 1483883 (VCV001483883.8), dbSNP rs2149656781, ClinGen allele CA361477634.
Genomic context (GRCh38, chr5:138,783,331, plus strand): 5'-AAGCAACTGAGAATTTCTTGGAGAAGGGGGATAAAATTGCGAAGGAGAGCCAGTTTCTCA[A>C]GGAGGAGCTTGTGGCTGCTGTAGAAGATGTTCGAAAACAAGGTAGGTCATTACTGCTTTT-3'
Protein context (NP_001894.2, residues 77-97): DKIAKESQFL[Lys87Thr]EELVAAVEDV